The following is an entry in ClinVar:

NM_002834.5(PTPN11):c.1190C>T (p.Thr397Met)

Gene: PTPN11 (protein tyrosine phosphatase non-receptor type 11; plus strand). Cytogenetic location: 12q24.13.
Variant type: single nucleotide variant.
Coding change: c.1190C>T on transcript NM_002834.5 (MANE Select); coding-DNA position 1190, C replaced by T.
Protein change: p.Thr397Met; replaces threonine 397 with methionine.
Molecular consequence: missense variant.
Genome position (GRCh38, 1-based): chr12:112,482,171, C>T. VCF-style: chr12-112482171-C-T. GRCh37 (hg19) VCF-style: chr12-112919975-C-T.
Other names: c.1190C>T, p.Thr397Met (NM_001330437.2, NM_080601.3); c.1187C>T, p.Thr396Met (NM_001374625.1); short protein forms T397M, T396M.
Identifiers: ClinVar variation 279919 (VCV000279919.18), dbSNP rs767503386, ClinGen allele CA6798734.
Genomic context (GRCh38, chr12:112,482,171, plus strand): 5'-TAAAAGAATATGGCGTCATGCGTGTTAGGAACGTCAAAGAAAGCGCCGCTCATGACTATA[C>T]GCTAAGAGAACTTAAACTTTCAAAGGTTGGACAAGTAAGTATATTGTCGTATTCTAGAGA-3'
Protein context (NP_002825.3, residues 387-407): NVKESAAHDY[Thr397Met]LRELKLSKVG

ClinVar aggregate classification (germline): Uncertain significance. Review status: criteria provided, multiple submitters, no conflicts (2 of 4 stars). 7 submissions from 7 submitters: Uncertain significance (7). Last evaluated 2026-03-06.

Conditions:
PTPN11-related disorder. Also called: PTPN11-Related Disorders.
Cardiovascular phenotype. Identifiers: MedGen CN230736.
Metachondromatosis (METCDS). Identifiers: Orphanet 2499, MedGen C0410530, MONDO:0007979, OMIM 156250.
Noonan syndrome 1 (NS1). Also called: PTPN11-Related Noonan Syndrome; FEMALE PSEUDO-TURNER SYNDROME; TURNER PHENOTYPE WITH NORMAL KARYOTYPE. Identifiers: Orphanet 648, MedGen C4551602, MONDO:0008104, OMIM 163950. Disease mechanism: gain of function.
LEOPARD syndrome 1 (LPRD1). Also called: PTPN11-Related LEOPARD Syndrome; LENTIGINOSIS, CARDIOMYOPATHIC; MULTIPLE LENTIGINES SYNDROME. Identifiers: Orphanet 500, MedGen C4551484, MONDO:0100082, OMIM 151100.
Juvenile myelomonocytic leukemia (JMML). Also called: LEUKEMIA, JUVENILE MYELOMONOCYTIC, SOMATIC. Identifiers: Orphanet 86834, MedGen C0349639, MONDO:0011908, OMIM 607785, HP:0012209.
RASopathy. Also called: rasopathies; Noonan spectrum disorder. Identifiers: Orphanet 536391, MedGen C5555857, MONDO:0021060.

Allele frequency attached by ClinVar (database versions not stated): gnomAD exomes 0.00001; ExAC 0.00002; gnomAD 0.00002 and 0.00003; TOPMed 0.00003.

Submissions (7):

PreventionGenetics, part of Exact Sciences
Classification: Uncertain significance for PTPN11-related condition. Last evaluated: 2026-03-06. Review status: criteria provided, single submitter. Criteria: ACMG Guidelines, 2015. Collection method: clinical testing. Allele origin: germline.
Comment: The PTPN11 c.1190C>T variant is predicted to result in the amino acid substitution p.Thr397Met. To our knowledge, this variant has not been reported in the literature in individuals with PTPN11-related disorders. This variant is reported in 0.0098% of alleles in individuals of South Asian descent in gnomAD. At this time, the clinical significance of this variant is uncertain due to the absence of conclusive functional and genetic evidence.

Ambry Genetics
Classification: Uncertain significance for Cardiovascular phenotype. Last evaluated: 2025-08-01. Review status: criteria provided, single submitter. Criteria: Ambry Variant Classification Scheme 2023. Collection method: clinical testing. Allele origin: germline.
Comment: The p.T397M variant (also known as c.1190C>T), located in coding exon 10 of the PTPN11 gene, results from a C to T substitution at nucleotide position 1190. The threonine at codon 397 is replaced by methionine, an amino acid with similar properties. This amino acid position is well conserved in available vertebrate species. In addition, the in silico prediction for this alteration is inconclusive. Since supporting evidence is limited at this time, the clinical significance of this alteration remains unclear.

Labcorp Genetics (formerly Invitae), Labcorp
Classification: Uncertain significance for RASopathy. Last evaluated: 2025-01-16. Review status: criteria provided, single submitter. Criteria: Invitae Variant Classification Sherloc (09022015). Collection method: clinical testing. Allele origin: germline.
Comment: This sequence change replaces threonine, which is neutral and polar, with methionine, which is neutral and non-polar, at codon 397 of the PTPN11 protein (p.Thr397Met). This variant is present in population databases (rs767503386, gnomAD 0.01%). This variant has not been reported in the literature in individuals affected with PTPN11-related conditions. ClinVar contains an entry for this variant (Variation ID: 279919). Invitae Evidence Modeling of protein sequence and biophysical properties (such as structural, functional, and spatial information, amino acid conservation, physicochemical variation, residue mobility, and thermodynamic stability) has been performed for this missense variant. However, the output from this modeling did not meet the statistical confidence thresholds required to predict the impact of this variant on PTPN11 protein function. In summary, the available evidence is currently insufficient to determine the role of this variant in disease. Therefore, it has been classified as a Variant of Uncertain Significance.

Women's Health and Genetics/Laboratory Corporation of America, LabCorp
Classification: Uncertain significance. Last evaluated: 2024-12-13. Review status: criteria provided, single submitter. Criteria: LabCorp Variant Classification Summary - May 2015. Collection method: clinical testing. Allele origin: germline.
Comment: Variant summary: PTPN11 c.1190C>T (p.Thr397Met) results in a non-conservative amino acid change located in the Protein tyrosine phosphatase, catalytic domain (IPR000242) of the encoded protein sequence. Three of five in-silico tools predict a damaging effect of the variant on protein function. The variant allele was found at a frequency of 1.2e-05 in 251448 control chromosomes. The available data on variant occurrences in the general population are insufficient to allow any conclusion about variant significance. To our knowledge, no occurrence of c.1190C>T in individuals affected with Noonan Syndrome and no experimental evidence demonstrating its impact on protein function have been reported. ClinVar contains an entry for this variant (Variation ID: 279919). Based on the evidence outlined above, the variant was classified as uncertain significance.

Fulgent Genetics
Classification: Uncertain significance for LEOPARD syndrome 1; Metachondromatosis; Noonan syndrome 1; Juvenile myelomonocytic leukemia. Last evaluated: 2023-12-27. Review status: criteria provided, single submitter. Criteria: ACMG Guidelines, 2015. Collection method: clinical testing. Allele origin: germline.

Genomic Medicine Lab, University of California San Francisco
Classification: Uncertain significance for Noonan syndrome 1. Last evaluated: 2018-09-27. Review status: criteria provided, single submitter. Criteria: ACMG Guidelines, 2015. Collection method: clinical testing. Allele origin: paternal. Inheritance: Autosomal dominant inheritance. Study: CSER.

GeneDx
Classification: Uncertain significance. Last evaluated: 2016-11-22. Review status: criteria provided, single submitter. Criteria: GeneDx Variant Classification (06012015). Collection method: clinical testing. Allele origin: germline. Affected: yes.
Comment: The T397M variant in the PTPN11 gene has not been reported previously as a pathogenic variant, nor as a benign variant, to our knowledge. This variant was not observed in approximately 6500 individuals of European and African American ancestry in the NHLBI Exome Sequencing Project, indicating it is not a common benign variant in these populations. The T397M variant is a non-conservative amino acid substitution, which is likely to impact secondary protein structure as these residues differ in polarity, charge, size and/or other properties, and occurs at a position that is conserved in mammals. However, in silico analysis is inconsistent in its predictions as to whether or not the variant is damaging to the protein structure/function. We interpret T397M as a variant of uncertain significance, which may be related to the reported speech delay, ventricular tachycardia, and cardiac hypertrophy in this individual.